The following is an entry in ClinVar:

ClinVar aggregate classification (germline): Pathogenic (1 of 4 stars; one submission).

Conditions:
Renal cysts and diabetes syndrome (RCAD). Also called: MATURITY-ONSET DIABETES OF THE YOUNG, TYPE 5; Familial hypoplastic, glomerulocystic kidney. Identifiers: Orphanet 93111, MedGen C0431693, MONDO:0007669, OMIM 137920.

Submission:

Victorian Clinical Genetics Services, Murdoch Childrens Research Institute
Classification: Pathogenic for Renal cysts and diabetes syndrome. Last evaluated: 2024-10-08. Review status: criteria provided, single submitter. Criteria: ACMG Guidelines, 2015. Collection method: clinical testing. Allele origin: germline. Inheritance: Autosomal dominant inheritance. Affected: yes.
Comment: Based on the classification scheme VCGS_Germline_v1.3.4, this variant is classified as Pathogenic. Following criteria are met: 0103 - Dominant negative, loss of function, and gain of function are all reported mechanisms of disease in this gene and are associated with type 2 diabetes mellitus (MIM#125853) and renal cysts and diabetes syndrome (MIM#137920; OMIM, PMID: 25536396, 11845238, 15509593). (I) 0107 - This gene is associated with autosomal dominant disease. (I) 0115 - Variants in this gene are known to have variable expressivity. There is significant interfamilial and intrafamilial variability of HNF1B-related nephropathy (PMID: 33305128). (I) 0201 - Variant is predicted to cause nonsense-mediated decay (NMD) and loss of protein (premature termination codon is located at least 54 nucleotides upstream of the final exon-exon junction). (SP) 0251 - This variant is heterozygous. (I) 0301 - Variant is absent from gnomAD (both v2 and v3). (SP) 0701 - Other NMD predicted variants comparable to the one identified in this case have very strong previous evidence for pathogenicity (DECIPHER). (SP) 0807 - This variant has no previous evidence of pathogenicity. (I) 0905 - No published segregation evidence has been identified for this variant. (I) 1007 - No published functional evidence has been identified for this variant. (I) 1208 - Inheritance information for this variant is not currently available in this individual. (I) Legend: (SP) - Supporting pathogenic, (I) - Information, (SB) - Supporting benign

Literature cited by the submitters: PubMed 11845238; PubMed 15509593; PubMed 25536396; PubMed 33305128.

NM_000458.4(HNF1B):c.730C>T (p.Gln244Ter)

Genes: HNF1B (HNF1 homeobox B; minus strand), LOC126862549 (BRD4-independent group 4 enhancer GRCh37_chr17:36093401-36094600; plus strand). Cytogenetic location: 17q12.
Variant type: single nucleotide variant.
Coding change: c.730C>T on transcript NM_000458.4 (MANE Select); coding-DNA position 730, C replaced by T.
Protein change: p.Gln244Ter; replaces glutamine 244 with a stop codon.
Molecular consequence: nonsense.
Genome position (GRCh38, 1-based): chr17:37,733,636, G>A on the plus strand (C>T on the coding strand, the complement: HNF1B is on the minus strand). VCF-style: chr17-37733636-G-A. GRCh37 (hg19) VCF-style: chr17-36093629-G-A.
Other names: c.652C>T, p.Gln218Ter (NM_001165923.4, NM_001304286.2); c.730C>T, p.Gln244Ter (NM_001411100.1); short protein forms Q218*, Q244*.
Identifiers: ClinVar variation 3377269 (VCV003377269.1).